The following is an entry in ClinVar:

ClinVar aggregate classification (germline): Uncertain significance. Review status: criteria provided, multiple submitters, no conflicts (2 of 4 stars). 4 submissions from 4 submitters: Uncertain significance (4). Last evaluated 2025-12-13.

Conditions:
Ataxia-telangiectasia syndrome (AT). Also called: ATAXIA-TELANGIECTASIA, FRESNO VARIANT; Ataxia-telangiectasia, complementation group E; Ataxia telangiectasia (A-T); Cerebello-oculocutaneous telangiectasia; Immunodeficiency with ataxia telangiectasia; LOUIS-BAR SYNDROME. Identifiers: Orphanet 100, MedGen C0004135, MONDO:0008840, OMIM 208900.
Hereditary cancer-predisposing syndrome. Also called: Hereditary Cancer Syndrome; Tumor predisposition; Neoplastic Syndromes, Hereditary; Hereditary neoplastic syndrome. Identifiers: Orphanet 140162, MedGen C0027672, MeSH D009386, MONDO:0015356.
Familial cancer of breast. Also called: hereditary breast carcinoma; BREAST CANCER, FAMILIAL; Hereditary breast cancer. Identifiers: Orphanet 227535, MedGen C0346153, MONDO:0016419, OMIM 114480. Disease mechanism: loss of function.

Allele frequency attached by ClinVar (database versions not stated): gnomAD exomes below 0.00001; gnomAD 0.00001; TOPMed 0.00001.

Submissions (4):

Ambry Genetics
Classification: Uncertain significance for Hereditary cancer-predisposing syndrome. Last evaluated: 2025-12-13. Review status: criteria provided, single submitter. Criteria: Ambry Variant Classification Scheme 2023. Collection method: clinical testing. Allele origin: germline.
Comment: The p.M1064T variant (also known as c.3191T>C), located in coding exon 21 of the ATM gene, results from a T to C substitution at nucleotide position 3191. The methionine at codon 1064 is replaced by threonine, an amino acid with similar properties. This alteration has been reported in at least one subject in a study of 13087 breast cancer cases and 5488 control individuals in the UK (Decker B et al. J Med Genet, 2017 11;54:732-741). This amino acid position is not well conserved in available vertebrate species. In addition, this alteration is predicted to be tolerated by in silico analysis. Since supporting evidence is limited at this time, the clinical significance of this alteration remains unclear.

Labcorp Genetics (formerly Invitae), Labcorp
Classification: Uncertain significance for Ataxia-telangiectasia syndrome. Last evaluated: 2025-09-02. Review status: criteria provided, single submitter. Criteria: Invitae Variant Classification Sherloc (09022015). Collection method: clinical testing. Allele origin: germline.
Comment: This sequence change replaces methionine, which is neutral and non-polar, with threonine, which is neutral and polar, at codon 1064 of the ATM protein (p.Met1064Thr). This variant is present in population databases (no rsID available, gnomAD 0.01%). This variant has not been reported in the literature in individuals affected with ATM-related conditions. ClinVar contains an entry for this variant (Variation ID: 647974). Invitae Evidence Modeling of protein sequence and biophysical properties (such as structural, functional, and spatial information, amino acid conservation, physicochemical variation, residue mobility, and thermodynamic stability) indicates that this missense variant is not expected to disrupt ATM protein function with a negative predictive value of 95%. In summary, the available evidence is currently insufficient to determine the role of this variant in disease. Therefore, it has been classified as a Variant of Uncertain Significance.

Baylor Genetics
Classification: Uncertain significance for Familial cancer of breast. Last evaluated: 2024-03-11. Review status: criteria provided, single submitter. Criteria: ACMG Guidelines, 2015. Collection method: clinical testing. Allele origin: unknown.

Color Diagnostics, LLC DBA Color Health
Classification: Uncertain significance for Hereditary cancer-predisposing syndrome. Last evaluated: 2022-03-21. Review status: criteria provided, single submitter. Criteria: ACMG Guidelines, 2015. Collection method: clinical testing. Allele origin: germline.
Comment: This missense variant replaces methionine with threonine at codon 1064 of the ATM protein. Computational prediction suggests that this variant may not impact protein structure and function (internally defined REVEL score threshold <= 0.5, PMID: 27666373). To our knowledge, functional studies have not been reported for this variant. This variant has been reported in individuals affected with breast cancer (PMID: 28779002, 33471991) and non-small-cell lung cancer (Han, poster P1.03-25, Journal of Thoracic Oncology 2018). This variant has been identified in 1/31394 chromosomes in the general population by the Genome Aggregation Database (gnomAD). The available evidence is insufficient to determine the role of this variant in disease conclusively. Therefore, this variant is classified as a Variant of Uncertain Significance.

Literature cited by the submitters: PubMed 28779002 (cited by Ambry Genetics and Color Diagnostics, LLC DBA Color Health); PubMed 33471991 (cited by Color Diagnostics, LLC DBA Color Health).

NM_000051.4(ATM):c.3191T>C (p.Met1064Thr)

Gene: ATM (ATM serine/threonine kinase; plus strand). Cytogenetic location: 11q22.3.
Variant type: single nucleotide variant.
Coding change: c.3191T>C on transcript NM_000051.4 (MANE Select); coding-DNA position 3191, T replaced by C.
Protein change: p.Met1064Thr; replaces methionine 1064 with threonine.
Molecular consequence: missense variant.
Genome position (GRCh38, 1-based): chr11:108,272,759, T>C. VCF-style: chr11-108272759-T-C. GRCh37 (hg19) VCF-style: chr11-108143486-T-C.
Other names: c.3191T>C, p.Met1064Thr (NM_001351834.2); short protein forms M1064T.
Identifiers: ClinVar variation 647974 (VCV000647974.17), dbSNP rs1160497775, ClinGen allele CA382515688.